The following is an entry in ClinVar:

ClinVar aggregate classification (germline): Benign (1 of 4 stars; one submission).

Conditions:
Melanoma-pancreatic cancer syndrome. Identifiers: Orphanet 404560, MedGen C1838547, MONDO:0011713, OMIM 606719. Disease mechanism: loss of function.

Submission:

Myriad Genetics, Inc.
Classification: Benign for Melanoma-pancreatic cancer syndrome. Last evaluated: 2025-08-13. Review status: criteria provided, single submitter. Criteria: Myriad Autosomal Dominant, Autosomal Recessive and X-Linked Classification Criteria (2023). Collection method: clinical testing. Allele origin: unknown.
Comment: This variant is considered benign. This variant is a silent/synonymous amino acid change and it is not expected to impact splicing.

NM_000077.5(CDKN2A):c.120A>C (p.Ala40=)

Gene: CDKN2A (cyclin dependent kinase inhibitor 2A; minus strand). Cytogenetic location: 9p21.3.
Variant type: single nucleotide variant.
Coding change: c.120A>C on transcript NM_000077.5; coding-DNA position 120, A replaced by C.
Protein change: p.Ala40=; no amino-acid change (alanine 40 retained).
Molecular consequence: synonymous variant (on NM_000077.6). On other transcripts: intron variant (2).
Genome position (GRCh38, 1-based): chr9:21,974,708, T>G on the plus strand (A>C on the coding strand, the complement: CDKN2A is on the minus strand). VCF-style: chr9-21974708-T-G. GRCh37 (hg19) VCF-style: chr9-21974707-T-G.
Other names: c.120A>C, p.Ala40= (NM_000077.6, NM_001195132.2, NM_058197.5); c.-3-3500A>C (NM_001363763.2); c.194-3500A>C (NM_058195.4).
Identifiers: ClinVar variation 4294128 (VCV004294128.1).
Genomic context (GRCh38, chr9:21,974,708, plus strand): 5'-CCCTGCTCCCGCTGCAGACCCTCTACCCACCTGGATCGGCCTCCGACCGTAACTATTCGG[T>G]GCGTTGGGCAGCGCCCCCGCCTCCAGCAGCGCCCGCACCTCCTCTACCCGACCCCGGGCC-3'
Protein context (NP_000068.1, residues 30-50): ALLEAGALPN[Ala40=]PNSYGRRPIQ